The following is an entry in ClinVar:

NM_002485.5(NBN):c.105_135del (p.Ile35fs)

Gene: NBN (nibrin; minus strand). Cytogenetic location: 8q21.3.
Variant type: Deletion.
Coding change: c.105_135del on transcript NM_002485.5 (MANE Select); coding-DNA positions 105 to 135, 31 bases deleted.
Protein change: p.Ile35fs; shifts the reading frame from isoleucine 35.
Molecular consequence: frameshift variant. On other transcripts: 5 prime UTR variant (1).
Genome position (GRCh38, 1-based): chr8:89,982,758-89,982,788, 31 bases deleted; deleting any 31 consecutive bases within chr8:89,982,758-89,982,790 gives the same sequence; the c. name uses the placement nearest the transcript's 3' end. GRCh37 (hg19): chr8:90,994,988-90,995,018.
Other names: c.105_135delTGAAAATGATCAGTCGATCAGCCGAAATCAT (NM_002485.4); c.105_135del31 (NM_002485.4, NM_002485.5); c.-192_-162del (NM_001024688.3); short protein forms I35fs.
Identifiers: ClinVar variation 182703 (VCV000182703.26), dbSNP rs730881840, ClinGen allele CA299575.
Genomic context (GRCh38, chr8:89,982,757, plus strand): 5'-TAGTGAAATAAAATTAGTAACATACCAGGTTGGTTACAGAAAAGTTAGCAGTTAACACAG[CATGATTTCGGCTGATCGACTGATCATTTTCA>C]ATCAGAATGGCACAGTTTTTCCTTCCAACAACGTACTCAACGCCAGTCAAAAGTCTGTAT-3'

ClinVar aggregate classification (germline): Conflicting classifications of pathogenicity. Review status: criteria provided, conflicting classifications (1 of 4 stars). 9 submissions from 9 submitters: Pathogenic (5); Likely pathogenic (2); Uncertain significance (1). 1 of the submissions does not count toward it. Last evaluated 2025-01-17.

Conditions:
Hereditary cancer-predisposing syndrome. Also called: Tumor predisposition; Hereditary Cancer Syndrome; Hereditary neoplastic syndrome; Neoplastic Syndromes, Hereditary. Identifiers: Orphanet 140162, MedGen C0027672, MeSH D009386, MONDO:0015356.
Aplastic anemia. Identifiers: Orphanet 182040, Orphanet 88, MedGen C0002874, MONDO:0015909, OMIM 609135, HP:0001915.
Microcephaly, normal intelligence and immunodeficiency (NBS). Also called: IMMUNODEFICIENCY, MICROCEPHALY, AND CHROMOSOMAL INSTABILITY; SEEMANOVA SYNDROME II; Nijmegen breakage syndrome; Microcephaly with normal intelligence immunodeficiency and lymphoreticular malignancies; Nonsyndromal microcephaly autosomal recessive with normal intelligence; Seemanova syndrome 2. Identifiers: Orphanet 647, MedGen C0398791, MONDO:0009623, OMIM 251260.

Submissions (9):

Natera, Inc.
Classification: Likely pathogenic for Nijmegen breakage syndrome. Last evaluated: 2025-01-17. Review status: criteria provided, single submitter. Criteria: Natera Variant Classification Schema (03/2026). Collection method: clinical testing. Allele origin: germline.
Comment: The c.105_135delTGAAAATGATCAGTCGATCAGCCGAAATCAT variant in NBN is a frameshift variant predicted to shift the reading frame beginning at codon 35 and leads to a stop codon 4 codons downstream. This variant is expected to result in nonsense mediated decay, truncation, or a dysfunctional protein product. This variant is rare in the general population with a frequency below the threshold expected for the associated phenotype(s). Given the available evidence, this variant is classified as Likely Pathogenic.

Women's Health and Genetics/Laboratory Corporation of America, LabCorp
Classification: Pathogenic for Microcephaly, normal intelligence and immunodeficiency. Last evaluated: 2024-10-25. Review status: criteria provided, single submitter. Criteria: LabCorp Variant Classification Summary - May 2015. Collection method: clinical testing. Allele origin: germline.
Comment: Variant summary: NBN c.105_135del31 (p.Ile35MetfsX4) results in a premature termination codon, predicted to cause a truncation of the encoded protein or absence of the protein due to nonsense mediated decay, which are commonly known mechanisms for disease. The frequency data for this variant in gnomAD is considered unreliable, as metrics indicate poor data quality at this position. c.105_135del31 has been reported in the literature in the heterozgyous state in at least one individual affected with breast cancer and glioblastoma (Susswein_1026). The following publication have been ascertained in the context of this evaluation (PMID: 26681312). ClinVar contains an entry for this variant (Variation ID: 182703). Based on the evidence outlined above, the variant was classified as pathogenic.

Baylor Genetics
Classification: Pathogenic for Aplastic anemia. Last evaluated: 2023-12-04. Review status: criteria provided, single submitter. Criteria: ACMG Guidelines, 2015. Collection method: clinical testing. Allele origin: unknown.

Labcorp Genetics (formerly Invitae), Labcorp
Classification: Pathogenic for Microcephaly, normal intelligence and immunodeficiency. Last evaluated: 2023-11-09. Review status: criteria provided, single submitter. Criteria: Invitae Variant Classification Sherloc (09022015). Collection method: clinical testing. Allele origin: germline.
Comment: This sequence change creates a premature translational stop signal (p.Ile35Metfs*4) in the NBN gene. It is expected to result in an absent or disrupted protein product. Loss-of-function variants in NBN are known to be pathogenic (PMID: 9590180, 16415040). This variant is not present in population databases (gnomAD no frequency). This variant has not been reported in the literature in individuals affected with NBN-related conditions. ClinVar contains an entry for this variant (Variation ID: 182703). For these reasons, this variant has been classified as Pathogenic.

GeneDx
Classification: Uncertain significance. Last evaluated: 2021-11-10. Review status: criteria provided, single submitter. Criteria: GeneDx Variant Classification Process June 2021. Collection method: clinical testing. Allele origin: germline. Affected: yes.
Comment: Frameshift variant predicted to result in protein truncation or nonsense mediated decay in a gene for which loss-of-function is a known mechanism of disease; Has not been previously published as pathogenic or benign to our knowledge

Genome-Nilou Lab
Classification: Likely pathogenic for Microcephaly, normal intelligence and immunodeficiency. Last evaluated: 2021-11-07. Review status: criteria provided, single submitter. Criteria: ACMG Guidelines, 2015. Collection method: clinical testing. Allele origin: germline. Affected: no.

Ambry Genetics
Classification: Pathogenic for Hereditary cancer-predisposing syndrome. Last evaluated: 2020-06-30. Review status: criteria provided, single submitter. Criteria: Ambry Variant Classification Scheme 2023. Collection method: clinical testing. Allele origin: germline.
Comment: The c.105_135del31 pathogenic mutation, located in coding exon 2 of the NBN gene, results from a deletion of 31 nucleotides at nucleotide positions 105 to 135, causing a translational frameshift with a predicted alternate stop codon (p.I35Mfs*4). This alteration was identified in 1/10030 consecutive patients referred for evaluation by an NGS hereditary cancer panel. This patient had a personal history of breast cancer and glioblastoma (Susswein LR et al. Genet. Med., 2016 08;18:823-32). In addition to the clinical data presented in the literature, this alteration is expected to result in loss of function by premature protein truncation or nonsense-mediated mRNA decay. As such, this alteration is interpreted as a disease-causing mutation.

Quest Diagnostics Nichols Institute San Juan Capistrano
Classification: Pathogenic. Last evaluated: 2020-06-01. Review status: criteria provided, single submitter. Criteria: Quest Diagnostics criteria. Collection method: clinical testing. Allele origin: unknown.
Comment: The variant results in a shift of the reading frame, and is therefore predicted to result in the loss of a functional protein. Found in at least one patient with expected phenotype for this gene, and not found in general population data.

Counsyl
Classification: Likely pathogenic for Microcephaly, normal intelligence and immunodeficiency. Last evaluated: 2016-12-16. Review status: no assertion criteria provided. Collection method: clinical testing. Allele origin: unknown. Not counted in ClinVar's aggregate classification.

Literature cited by the submitters: PubMed 26681312 (cited by Women's Health and Genetics/Laboratory Corporation of America, LabCorp and Ambry Genetics); PubMed 9590180 (cited by Labcorp Genetics (formerly Invitae), Labcorp); PubMed 16415040 (cited by Labcorp Genetics (formerly Invitae), Labcorp).